The following is an entry in ClinVar:

NM_000274.4(OAT):c.548C>G (p.Ser183Cys)

Gene: OAT (ornithine aminotransferase; minus strand). Cytogenetic location: 10q26.13.
Variant type: single nucleotide variant.
Coding change: c.548C>G on transcript NM_000274.4 (MANE Select); coding-DNA position 548, C replaced by G.
Protein change: p.Ser183Cys; replaces serine 183 with cysteine.
Molecular consequence: missense variant. On other transcripts: 5 prime UTR variant (1).
Genome position (GRCh38, 1-based): chr10:124,405,536, G>C on the plus strand (C>G on the coding strand, the complement: OAT is on the minus strand). VCF-style: chr10-124405536-G-C. GRCh37 (hg19) VCF-style: chr10-126094105-G-C.
Other names: c.134C>G, p.Ser45Cys (NM_001171814.2); c.548C>G, p.Ser183Cys (NM_001322965.2, NM_001322966.2, NM_001322967.2 and 3 more transcripts); c.227C>G, p.Ser76Cys (NM_001322971.2); c.-53C>G (NM_001322974.2); short protein forms S183C, S45C, S76C.
Identifiers: ClinVar variation 1062181 (VCV001062181.6), dbSNP rs2134465660, ClinGen allele CA378636643.

ClinVar aggregate classification (germline): Uncertain significance (1 of 4 stars; one submission).

Conditions:
Ornithine aminotransferase deficiency (GACR). Also called: Ornithine ketoacid aminotransferase deficiency; Gyrate atrophy; Gyrate atrophy of choroid and retina; Girate atrophy of the retina; HYPERORNITHINEMIA WITH GYRATE ATROPHY OF CHOROID AND RETINA; OAT DEFICIENCY. Identifiers: Orphanet 414, MedGen C0018425, MONDO:0009796, OMIM 258870.

Submission:

Labcorp Genetics (formerly Invitae), Labcorp
Classification: Uncertain significance for Ornithine aminotransferase deficiency. Last evaluated: 2022-08-09. Review status: criteria provided, single submitter. Criteria: Invitae Variant Classification Sherloc (09022015). Collection method: clinical testing. Allele origin: germline.
Comment: This sequence change replaces serine, which is neutral and polar, with cysteine, which is neutral and slightly polar, at codon 183 of the OAT protein (p.Ser183Cys). This variant is not present in population databases (gnomAD no frequency). This variant has not been reported in the literature in individuals affected with OAT-related conditions. ClinVar contains an entry for this variant (Variation ID: 1062181). Algorithms developed to predict the effect of missense changes on protein structure and function output the following: SIFT: "Deleterious"; PolyPhen-2: "Benign"; Align-GVGD: "Class C15". The cysteine amino acid residue is found in multiple mammalian species, which suggests that this missense change does not adversely affect protein function. In summary, the available evidence is currently insufficient to determine the role of this variant in disease. Therefore, it has been classified as a Variant of Uncertain Significance.